The following is an entry in ClinVar:

NM_032217.5(ANKRD17):c.1373C>T (p.Ala458Val)

Gene: ANKRD17 (ankyrin repeat domain 17; minus strand). Cytogenetic location: 4q13.3.
Variant type: single nucleotide variant.
Coding change: c.1373C>T on transcript NM_032217.5 (MANE Select); coding-DNA position 1373, C replaced by T.
Protein change: p.Ala458Val; replaces alanine 458 with valine.
Molecular consequence: missense variant.
Genome position (GRCh38, 1-based): chr4:73,149,007, G>A on the plus strand (C>T on the coding strand, the complement: ANKRD17 is on the minus strand). VCF-style: chr4-73149007-G-A. GRCh37 (hg19) VCF-style: chr4-74014724-G-A.
Other names: c.1034C>T, p.Ala345Val (NM_001286771.3); c.1373C>T, p.Ala458Val (NM_015574.2, NM_198889.3); short protein forms A345V, A458V.
Identifiers: ClinVar variation 3776502 (VCV003776502.1).

ClinVar aggregate classification (germline): Uncertain significance (1 of 4 stars; one submission).

gnomAD v4.1: 1 of 1,612,886 alleles (0.000062%); highest among the groups gnomAD compares: Non-Finnish European, 0.000085%; no homozygotes.

Submission:

GeneDx
Classification: Uncertain significance. Last evaluated: 2024-10-02. Review status: criteria provided, single submitter. Criteria: GeneDx Variant Classification Process June 2021. Collection method: clinical testing. Allele origin: germline. Affected: yes.
Comment: Not observed at significant frequency in large population cohorts (gnomAD); In silico analysis supports that this missense variant has a deleterious effect on protein structure/function; Has not been previously published as pathogenic or benign to our knowledge